The following is an entry in ClinVar:

NM_000059.4(BRCA2):c.5213C>T (p.Thr1738Ile)

Gene: BRCA2 (BRCA2 DNA repair associated; plus strand). Cytogenetic location: 13q13.1.
Variant type: single nucleotide variant.
Coding change: c.5213C>T on transcript NM_000059.4 (MANE Select); coding-DNA position 5213, C replaced by T.
Protein change: p.Thr1738Ile; replaces threonine 1738 with isoleucine.
Molecular consequence: missense variant.
Genome position (GRCh38, 1-based): chr13:32,339,568, C>T. VCF-style: chr13-32339568-C-T. GRCh37 (hg19) VCF-style: chr13-32913705-C-T.
Other names: short protein forms T1738I.
Identifiers: ClinVar variation 1175141 (VCV001175141.10), dbSNP rs1593904785, ClinGen allele CA387784621.

ClinVar aggregate classification (germline): Likely benign. Review status: criteria provided, multiple submitters, no conflicts (2 of 4 stars). 4 submissions from 4 submitters: Likely benign (2). 2 of the submissions do not count toward it. Last evaluated 2025-12-17.

Conditions:
Hereditary cancer-predisposing syndrome. Also called: Neoplastic Syndromes, Hereditary; Tumor predisposition; Hereditary Cancer Syndrome; Hereditary neoplastic syndrome. Identifiers: Orphanet 140162, MedGen C0027672, MeSH D009386, MONDO:0015356.

Allele frequency attached by ClinVar (database versions not stated): gnomAD 0.00001; gnomAD exomes below 0.00001.
gnomAD v4.1: 2 of 1,608,798 alleles (0.00012%); highest among the groups gnomAD compares: South Asian, 0.0022%; no homozygotes.

Submissions (4):

Ambry Genetics
Classification: Likely benign for Hereditary cancer-predisposing syndrome. Last evaluated: 2025-12-17. Review status: criteria provided, single submitter. Criteria: Ambry Variant Classification Scheme 2023. Collection method: clinical testing. Allele origin: germline.

University of Washington Department of Laboratory Medicine, University of Washington
Classification: Likely benign for Hereditary cancer-predisposing syndrome. Last evaluated: 2023-03-23. Review status: criteria provided, single submitter. Criteria: Dines et al. (Genet Med. 2020). Collection method: curation. Allele origin: germline.
Comment: Missense variant in a coldspot region where missense variants are very unlikely to be pathogenic (PMID:31911673).

BRCA2 exon 11 coldspot. Reclassification based on statistical prior probability.

Diagnostic Laboratory, Department of Genetics, University Medical Center Groningen
Classification: Likely benign. Review status: no assertion criteria provided. Collection method: clinical testing. Allele origin: germline. Affected: yes. Study: VKGL Data-share Consensus. Not counted in ClinVar's aggregate classification.

Joint Genome Diagnostic Labs from Nijmegen and Maastricht, Radboudumc and MUMC+
Classification: Likely benign. Review status: no assertion criteria provided. Collection method: clinical testing. Allele origin: germline. Affected: yes. Study: VKGL Data-share Consensus. Not counted in ClinVar's aggregate classification.